The following is an entry in ClinVar:

ClinVar aggregate classification (germline): Likely pathogenic (1 of 4 stars; one submission).

Conditions:
Sotos syndrome (SOTOS). Also called: Sotos' syndrome; Distinctive facial appearance, overgrowth in childhood, and learning disabilities or delayed development; CHROMOSOME 5q35 DELETION SYNDROME; CEREBRAL GIGANTISM; SOTOS SYNDROME 1. Identifiers: Orphanet 821, MedGen C0175695, MONDO:0019349, OMIM 117550.

Submission:

Neuberg Centre For Genomic Medicine, NCGM
Classification: Likely pathogenic for Sotos syndrome. Review status: criteria provided, single submitter. Criteria: ACMG Guidelines, 2015. Collection method: clinical testing. Allele origin: germline. Affected: yes.
Comment: The frameshift insertion p.S811Tfs*4 in NSD1 (NM_022455.5) has not been reported previously as a pathogenic variant nor as a benign variant, to our knowledge. The p.S811Tfs*4 variant is novel (not in any individuals) in gnomAD Exomes and is novel (not in any individuals) in 1000 Genomes. This variant is predicted to cause loss of normal protein function through protein truncation. Loss of function variants have been reported previously to be disease causing. For these reasons, this variant has been classified as Likely Pathogenic.

NM_022455.5(NSD1):c.2431_2432insCACTC (p.Ser811fs)

Gene: NSD1 (nuclear receptor binding SET domain protein 1; plus strand). Cytogenetic location: 5q35.3.
Variant type: Insertion.
Coding change: c.2431_2432insCACTC on transcript NM_022455.5 (MANE Select); coding-DNA positions 2431 to 2432, CACTC inserted.
Protein change: p.Ser811fs; shifts the reading frame from serine 811.
Molecular consequence: frameshift variant.
Genome position: GRCh38 VCF-style: chr5-177210830-A-ACACTC. GRCh37 (hg19) VCF-style: chr5-176637831-A-ACACTC.
Other names: c.1558_1559insCACTC, p.Ser520Thrfs (NM_001365684.2, NM_001409306.1, NM_001409307.1 and 3 more transcripts); c.2431_2432insCACTC, p.Ser811Thrfs (NM_001409301.1, NM_001409302.1, NM_001409303.1); c.2011_2012insCACTC, p.Ser671Thrfs (NM_001409304.1); c.1678_1679insCACTC, p.Ser560Thrfs (NM_001409305.1); short protein forms S542fs, S811fs.
Identifiers: ClinVar variation 1878524 (VCV001878524.2), dbSNP rs2480454936, ClinGen allele CA2580074115.